The following is an entry in ClinVar:

NM_000443.4(ABCB4):c.2343G>A (p.Glu781=)

Gene: ABCB4 (ATP binding cassette subfamily B member 4; minus strand). Cytogenetic location: 7q21.12.
Variant type: single nucleotide variant.
Coding change: c.2343G>A on transcript NM_000443.4 (MANE Select); coding-DNA position 2343, G replaced by A.
Protein change: p.Glu781=; no amino-acid change (glutamic acid 781 retained).
Molecular consequence: synonymous variant.
Genome position (GRCh38, 1-based): chr7:87,420,049, C>T on the plus strand (G>A on the coding strand, the complement: ABCB4 is on the minus strand). VCF-style: chr7-87420049-C-T. GRCh37 (hg19) VCF-style: chr7-87049365-C-T.
Other names: c.2343G>A (NM_000443.3); c.2343G>A, p.Glu781= (NM_018849.3, NM_018850.3).
Identifiers: ClinVar variation 2981374 (VCV002981374.4), dbSNP rs1000525296, ClinGen allele CA162106838.

ClinVar aggregate classification (germline): Likely benign. Review status: criteria provided, multiple submitters, no conflicts (2 of 4 stars). 2 submissions from 2 submitters: Likely benign (2). Last evaluated 2025-04-11.

Conditions:
ABCB4-related disorder. Also called: ABCB4-related disorders; ABCB4-related condition.

Allele frequency attached by ClinVar (database versions not stated): gnomAD exomes below 0.00001; TOPMed below 0.00001.

Submissions (2):

PreventionGenetics, part of Exact Sciences
Classification: Likely benign for ABCB4-related condition. Last evaluated: 2025-04-11. Review status: criteria provided, single submitter. Criteria: ACMG Guidelines, 2015. Collection method: clinical testing. Allele origin: germline.
Comment: This variant is classified as likely benign based on ACMG/AMP sequence variant interpretation guidelines (Richards et al. 2015 PMID: 25741868, with internal and published modifications).

Labcorp Genetics (formerly Invitae), Labcorp
Classification: Likely benign. Last evaluated: 2023-05-18. Review status: criteria provided, single submitter. Criteria: Invitae Variant Classification Sherloc (09022015). Collection method: clinical testing. Allele origin: germline.